The following is an entry in ClinVar:

NM_004817.4(TJP2):c.1981A>C (p.Asn661His)

Gene: TJP2 (tight junction protein 2; plus strand). Cytogenetic location: 9q21.11.
Variant type: single nucleotide variant.
Coding change: c.1981A>C on transcript NM_004817.4 (MANE Select); coding-DNA position 1981, A replaced by C.
Protein change: p.Asn661His; replaces asparagine 661 with histidine.
Molecular consequence: missense variant.
Genome position (GRCh38, 1-based): chr9:69,236,228, A>C. VCF-style: chr9-69236228-A-C. GRCh37 (hg19) VCF-style: chr9-71851144-A-C.
Other names: c.1912A>C, p.Asn638His (NM_001170414.2, NM_001369871.1); c.1993A>C, p.Asn665His (NM_001170415.1, NM_001369874.1, NM_001369875.1); c.2074A>C, p.Asn692His (NM_001170416.2); c.1906A>C, p.Asn636His (NM_001369870.1); c.1981A>C, p.Asn661His (NM_001369872.1, NM_001369873.1, NM_201629.3); short protein forms N636H, N665H, N638H, N661H, N692H.
Identifiers: ClinVar variation 3572603 (VCV003572603.3).

ClinVar aggregate classification (germline): Uncertain significance. Review status: criteria provided, multiple submitters, no conflicts (2 of 4 stars). 2 submissions from 2 submitters: Uncertain significance (2). Last evaluated 2024-07-17.

gnomAD v4.1: 5 of 1,613,894 alleles (0.00031%); highest among the groups gnomAD compares: African/African-American, 0.0053%; no homozygotes.

Submissions (2):

Labcorp Genetics (formerly Invitae), Labcorp
Classification: Uncertain significance. Last evaluated: 2024-07-17. Review status: criteria provided, single submitter. Criteria: Invitae Variant Classification Sherloc (09022015). Collection method: clinical testing. Allele origin: germline.
Comment: This sequence change replaces asparagine, which is neutral and polar, with histidine, which is basic and polar, at codon 661 of the TJP2 protein (p.Asn661His). This variant is present in population databases (rs756024512, gnomAD 0.01%). This variant has not been reported in the literature in individuals affected with TJP2-related conditions. Advanced modeling of protein sequence and biophysical properties (such as structural, functional, and spatial information, amino acid conservation, physicochemical variation, residue mobility, and thermodynamic stability) performed at Invitae indicates that this missense variant is not expected to disrupt TJP2 protein function with a negative predictive value of 80%. In summary, the available evidence is currently insufficient to determine the role of this variant in disease. Therefore, it has been classified as a Variant of Uncertain Significance.

GeneDx
Classification: Uncertain significance. Last evaluated: 2024-07-08. Review status: criteria provided, single submitter. Criteria: GeneDx Variant Classification Process June 2021. Collection method: clinical testing. Allele origin: germline. Affected: yes.
Comment: In silico analysis supports that this missense variant has a deleterious effect on protein structure/function; Has not been previously published as pathogenic or benign to our knowledge